The following is an entry in ClinVar:

ClinVar aggregate classification (germline): Uncertain significance (1 of 4 stars; one submission).

Conditions:
Emery-Dreifuss muscular dystrophy (EDMD). Also called: Scapuloperoneal syndrome, X-linked (formerly); Humeroperoneal neuromuscular disease, (formerly). Identifiers: Orphanet 261, MedGen C0410189, MONDO:0016830.

gnomAD v4.1: 7 of 1,614,262 alleles (0.00043%); highest among the groups gnomAD compares: Admixed American, 0.0017%; no homozygotes.

Submission:

Labcorp Genetics (formerly Invitae), Labcorp
Classification: Uncertain significance for Emery-Dreifuss muscular dystrophy. Last evaluated: 2021-09-08. Review status: criteria provided, single submitter. Criteria: Invitae Variant Classification Sherloc (09022015). Collection method: clinical testing. Allele origin: germline.
Comment: In summary, the available evidence is currently insufficient to determine the role of this variant in disease. Therefore, it has been classified as a Variant of Uncertain Significance. Algorithms developed to predict the effect of missense changes on protein structure and function output the following: SIFT: "Tolerated"; PolyPhen-2: "Benign"; Align-GVGD: "Class C0". The glutamic acid amino acid residue is found in multiple mammalian species, which suggests that this missense change does not adversely affect protein function. This variant has not been reported in the literature in individuals affected with SUN1-related conditions. This variant is not present in population databases (ExAC no frequency). This sequence change replaces aspartic acid with glutamic acid at codon 553 of the SUN1 protein (p.Asp553Glu). The aspartic acid residue is moderately conserved and there is a small physicochemical difference between aspartic acid and glutamic acid.

NM_001130965.3(SUN1):c.1659C>G (p.Asp553Glu)

Gene: SUN1 (Sad1 and UNC84 domain containing 1; plus strand). Cytogenetic location: 7p22.3.
Variant type: single nucleotide variant.
Coding change: c.1659C>G on transcript NM_001130965.3 (MANE Select); coding-DNA position 1659, C replaced by G.
Protein change: p.Asp553Glu; replaces aspartic acid 553 with glutamic acid.
Molecular consequence: missense variant. On other transcripts: non-coding transcript variant (3).
Genome position (GRCh38, 1-based): chr7:860,262, C>G. VCF-style: chr7-860262-C-G. GRCh37 (hg19) VCF-style: chr7-899899-C-G.
Other names: c.1941C>G, p.Asp647Glu (NM_001367641.1, NM_001367682.1); c.1644C>G, p.Asp548Glu (NM_001367642.1); c.1851C>G, p.Asp617Glu (NM_001367643.1); c.1590C>G, p.Asp530Glu (NM_001367644.1); c.1707C>G, p.Asp569Glu (NM_001367645.1, NM_001367681.1); c.1788C>G, p.Asp596Glu (NM_001367646.1); c.1701C>G, p.Asp567Glu (NM_001367647.1, NM_001367668.1); c.1521C>G, p.Asp507Glu (NM_001367648.1); and 43 more; short protein forms D450E, D507E, D530E, D539E, D562E, D589E, D597E, D603E.
Identifiers: ClinVar variation 1444236 (VCV001444236.6), dbSNP rs752578715, ClinGen allele CA366533687.